The following is an entry in ClinVar:

ClinVar aggregate classification (germline): Uncertain significance (1 of 4 stars; one submission).

Conditions:
Familial cold autoinflammatory syndrome 3 (FCAS3). Also called: ANTIBODY DEFICIENCY AND IMMUNE DYSREGULATION, PLCG2-ASSOCIATED; FAMILIAL ATYPICAL COLD URTICARIA. Identifiers: Orphanet 300359, MedGen C3280914, MONDO:0013766, OMIM 614468.

gnomAD v4.1: 2 of 1,613,936 alleles (0.00012%); highest among the groups gnomAD compares: Middle Eastern, 0.016%; no homozygotes.

Submission:

Labcorp Genetics (formerly Invitae), Labcorp
Classification: Uncertain significance for Familial cold autoinflammatory syndrome 3. Last evaluated: 2025-10-14. Review status: criteria provided, single submitter. Criteria: Invitae Variant Classification Sherloc (09022015). Collection method: clinical testing. Allele origin: germline.
Comment: This sequence change replaces proline, which is neutral and non-polar, with serine, which is neutral and polar, at codon 171 of the PLCG2 protein (p.Pro171Ser). This variant is present in population databases (rs758235707, gnomAD 0.0009%). This variant has not been reported in the literature in individuals affected with PLCG2-related conditions. An algorithm developed to predict the effect of missense changes on protein structure and function (PolyPhen-2) suggests that this variant is likely to be tolerated. In summary, the available evidence is currently insufficient to determine the role of this variant in disease. Therefore, it has been classified as a Variant of Uncertain Significance.

NM_002661.5(PLCG2):c.511C>T (p.Pro171Ser)

Gene: PLCG2 (phospholipase C gamma 2; plus strand). Cytogenetic location: 16q23.3.
Variant type: single nucleotide variant.
Coding change: c.511C>T on transcript NM_002661.5 (MANE Select); coding-DNA position 511, C replaced by T.
Protein change: p.Pro171Ser; replaces proline 171 with serine.
Molecular consequence: missense variant.
Genome position (GRCh38, 1-based): chr16:81,869,245, C>T. VCF-style: chr16-81869245-C-T. GRCh37 (hg19) VCF-style: chr16-81902850-C-T.
Other names: c.511C>T, p.Pro171Ser (NM_001425749.1, NM_001425750.1, NM_001425751.1); short protein forms P171S.
Identifiers: ClinVar variation 4702130 (VCV004702130.1).
Genomic context (GRCh38, chr16:81,869,245, plus strand): 5'-TGACAGAACTGGGTCTCCCTCTTTTGCAGCATCAGTCTCCGAGAGTTGAAGACCATCTTG[C>T]CCCTGATCAACTTTAAAGTGAGCAGTGCCAAGTTCCTTAAAGATAAGTTTGTGGTAAGTT-3'
Protein context (NP_002652.2, residues 161-181): ISLRELKTIL[Pro171Ser]LINFKVSSAK